The following is an entry in ClinVar:

ClinVar aggregate classification (germline): Uncertain significance (1 of 4 stars; one submission).

Conditions:
Hypertrophic cardiomyopathy 2. Also called: TNNT2-Related Familial Hypertrophic Cardiomyopathy. Identifiers: MedGen C1861864, MONDO:0007266, OMIM 115195.
Dilated cardiomyopathy 1D. Identifiers: Orphanet 154, Orphanet 54260, MedGen C1832243, MONDO:0011095, OMIM 601494.
Cardiomyopathy, familial restrictive, 3. Identifiers: Orphanet 75249, MedGen C2676271, MONDO:0012900, OMIM 612422.

Submission:

Labcorp Genetics (formerly Invitae), Labcorp
Classification: Uncertain significance for Cardiomyopathy, familial restrictive, 3; Hypertrophic cardiomyopathy 2; Dilated cardiomyopathy 1D. Last evaluated: 2025-09-17. Review status: criteria provided, single submitter. Criteria: Invitae Variant Classification Sherloc (09022015). Collection method: clinical testing. Allele origin: germline.
Comment: This sequence change replaces aspartic acid, which is acidic and polar, with glycine, which is neutral and non-polar, at codon 86 of the TNNT2 protein (p.Asp86Gly). This variant is not present in population databases (gnomAD no frequency). This variant has not been reported in the literature in individuals affected with TNNT2-related conditions. Invitae Evidence Modeling of protein sequence and biophysical properties (such as structural, functional, and spatial information, amino acid conservation, physicochemical variation, residue mobility, and thermodynamic stability) has been performed for this missense variant. However, the output from this modeling did not meet the statistical confidence thresholds required to predict the impact of this variant on TNNT2 protein function. This variant disrupts the p.Asp86 amino acid residue in TNNT2. Other variant(s) that disrupt this residue have been determined to be pathogenic (PMID: 12860912, 20159828, 25031304, 26914223, 27532257). This suggests that this residue is clinically significant, and that variants that disrupt this residue are likely to be disease-causing. In summary, the available evidence is currently insufficient to determine the role of this variant in disease. Therefore, it has been classified as a Variant of Uncertain Significance.

Literature cited by the submitters: PubMed 12860912; PubMed 20159828; PubMed 25031304; PubMed 26914223; PubMed 27532257.

NM_001276345.2(TNNT2):c.287A>G (p.Asp96Gly)

Gene: TNNT2 (troponin T2, cardiac type; minus strand). Cytogenetic location: 1q32.1.
Variant type: single nucleotide variant.
Coding change: c.287A>G on transcript NM_001276345.2 (MANE Select); coding-DNA position 287, A replaced by G.
Protein change: p.Asp96Gly; replaces aspartic acid 96 with glycine.
Molecular consequence: missense variant.
Genome position (GRCh38, 1-based): chr1:201,365,617, T>C on the plus strand (A>G on the coding strand, the complement: TNNT2 is on the minus strand). VCF-style: chr1-201365617-T-C. GRCh37 (hg19) VCF-style: chr1-201334745-T-C.
Other names: c.287A>G, p.Asp96Gly (NM_000364.4, NM_001406723.1); c.257A>G, p.Asp86Gly (NM_001001430.3, NM_001001431.3, NM_001276347.2 and 3 more transcripts); c.242A>G, p.Asp81Gly (NM_001001432.3, NM_001406728.1); c.284A>G, p.Asp95Gly (NM_001276346.2); c.254A>G, p.Asp85Gly (NM_001406725.1); short protein forms D81G, D86G, D96G, D85G, D95G.
Identifiers: ClinVar variation 4789269 (VCV004789269.1).
Genomic context (GRCh38, chr1:201,365,617, plus strand): 5'-GCCCTTGGGACTATCCCCAGCCCAGGCCTACTCAACCCACAGCCACCGCTTACATCAAAG[T>C]CCACTCTCTCTCCATCGGGGATCTTGGGAGGCACCAAGTTGGGCATGAACGACCTGTTGG-3'
Protein context (NP_001263274.1, residues 86-106): PPKIPDGERV[Asp96Gly]FDDIHRKRME